The following is an entry in ClinVar:

NM_003380.5(VIM):c.282C>T (p.Thr94=)

Genes: VIM (vimentin; plus strand), VIM-AS1 (VIM antisense RNA 1; minus strand). Cytogenetic location: 10p13.
Variant type: single nucleotide variant.
Coding change: c.282C>T on transcript NM_003380.5 (MANE Select); coding-DNA position 282, C replaced by T.
Protein change: p.Thr94=; no amino-acid change (threonine 94 retained).
Molecular consequence: synonymous variant. On other transcripts: non-coding transcript variant (1).
Genome position (GRCh38, 1-based): chr10:17,229,704, C>T. VCF-style: chr10-17229704-C-T. GRCh37 (hg19) VCF-style: chr10-17271703-C-T.
Identifiers: ClinVar variation 779851 (VCV000779851.5), dbSNP rs144539901, ClinGen allele CA5426381.

ClinVar aggregate classification (germline): Benign. Review status: criteria provided, single submitter (1 of 4 stars). 2 submissions from 2 submitters: Benign (1). 1 of the submissions does not count toward it. Last evaluated 2019-12-31.

Conditions:
VIM-related disorder. Also called: VIM-related condition.
Cataract 30 (CTRCT30). Also called: CATARACT 30, PULVERULENT. Identifiers: Orphanet 91492, Orphanet 98984, Orphanet 98992, MedGen C3805411, MONDO:0007286, OMIM 116300.

Allele frequency attached by ClinVar (database versions not stated): ExAC 0.00054; ESP Exome Variant Server 0.00093; gnomAD 0.00098 and 0.00107; TOPMed 0.00098; 1000 Genomes Project 0.00120; 1000 Genomes Project 30x 0.00156.
gnomAD v4.1: 309 of 1,571,736 alleles (0.02%); highest among the groups gnomAD compares: African/African-American, 0.37%; 1 homozygote.

Submissions (2):

Labcorp Genetics (formerly Invitae), Labcorp
Classification: Benign for Cataract 30. Last evaluated: 2019-12-31. Review status: criteria provided, single submitter. Criteria: Invitae Variant Classification Sherloc (09022015). Collection method: clinical testing. Allele origin: germline.

PreventionGenetics, part of Exact Sciences
Classification: Likely benign for VIM-related condition. Last evaluated: 2024-09-17. Review status: no assertion criteria provided. Collection method: clinical testing. Allele origin: germline. Not counted in ClinVar's aggregate classification.
Comment: This variant is classified as likely benign based on ACMG/AMP sequence variant interpretation guidelines (Richards et al. 2015 PMID: 25741868, with internal and published modifications).